The following is an entry in ClinVar:

ClinVar aggregate classification (germline): Likely pathogenic. Review status: criteria provided, single submitter (1 of 4 stars). 2 submissions from 2 submitters: Likely pathogenic (1). 1 of the submissions does not count toward it. Last evaluated 2025-01-21.

Conditions:
Autosomal recessive polycystic kidney disease (ARPKD). Also called: AR polycystic kidney disease. Identifiers: Orphanet 731, Orphanet 8378, MedGen C0085548, MeSH D017044, MONDO:0009889.
Polycystic kidney disease 4 (PKD4). Also called: POLYCYSTIC KIDNEY DISEASE 4 WITH OR WITHOUT POLYCYSTIC LIVER DISEASE; POLYCYSTIC KIDNEY AND HEPATIC DISEASE 1; POLYCYSTIC KIDNEY DISEASE, INFANTILE, TYPE I; PKD3; Autosomal Recessive Polycystic Kidney Disease – PKHD1. Identifiers: MedGen C4540575, MONDO:0033004, OMIM 263200.

Submissions (2):

Natera, Inc.
Classification: Likely pathogenic for Autosomal recessive polycystic kidney disease. Last evaluated: 2025-01-21. Review status: criteria provided, single submitter. Criteria: Natera Variant Classification Schema (03/2026). Collection method: clinical testing. Allele origin: germline.
Comment: The c.11774_11775delTG variant in PKHD1 is a frameshift variant predicted to shift the reading frame beginning at codon 3925 and leads to a stop codon 31 codons downstream. This variant is expected to result in nonsense mediated decay, truncation, or a dysfunctional protein product. This variant is rare in the general population with a frequency below the threshold expected for the associated phenotype(s). Given the available evidence, this variant is classified as Likely Pathogenic.

Counsyl
Classification: Uncertain significance for Polycystic kidney disease 4. Last evaluated: 2017-11-07. Review status: no assertion criteria provided. Collection method: clinical testing. Allele origin: unknown. Not counted in ClinVar's aggregate classification.

NM_138694.4(PKHD1):c.11774_11775del (p.Val3925fs)

Gene: PKHD1 (PKHD1 ciliary IPT domain containing fibrocystin/polyductin; minus strand). Cytogenetic location: 6p12.3.
Variant type: Microsatellite.
Coding change: c.11774_11775del on transcript NM_138694.4 (MANE Select); coding-DNA positions 11774 to 11775, 2 bases deleted (TG; older notation c.11774_11775delTG).
Protein change: p.Val3925fs; shifts the reading frame from valine 3925.
Molecular consequence: frameshift variant.
Genome position (GRCh38, 1-based): chr6:51,627,007-51,627,008, CA deleted on the plus strand (TG on the coding strand, the reverse complement: PKHD1 is on the minus strand); deleting any 2 consecutive bases within chr6:51,627,007-51,627,010 gives the same sequence; the c. name uses the placement nearest the transcript's 3' end. VCF-style (leftmost placement, unchanged base first): chr6-51627006-CCA-C. GRCh37 (hg19) VCF-style: chr6-51491804-CCA-C.
Other names: short protein forms V3925fs.
Identifiers: ClinVar variation 554663 (VCV000554663.3), dbSNP rs1554165849, ClinGen allele CA658821690.